The following is an entry in ClinVar:

NC_012920.1(MT-TG):m.10042A>G

Gene: MT-TG (mitochondrially encoded tRNA glycine; plus strand).
Variant type: single nucleotide variant.
Genome position: chrM-10042-A-G.
Identifiers: ClinVar variation 690106 (VCV000690106.1), dbSNP rs1603222643, ClinGen allele CA913161649.
Genomic context (GRCh38, chrMT:10,042, plus strand): 5'-GAGGGTCTTACTCTTTTAGTATAAATAGTACCGTTAACTTCCAATTAACTAGTTTTGACA[A>G]CATTCAAAAAAGAGTAATAAACTTCGCCTTAATTTTAATAATCAACACCCTCCTAGCCTT-3'

ClinVar aggregate classification (germline): Benign (1 of 4 stars; one submission).

Conditions:
MELAS syndrome (MELAS). Also called: Juvenile myopathy, encephalopathy, lactic acidosis, stroke. Identifiers: Orphanet 550, MedGen C0162671, MONDO:0010789, OMIM 540000.

Submission:

Wong Mito Lab, Molecular and Human Genetics, Baylor College of Medicine
Classification: Benign for MELAS syndrome. Last evaluated: 2019-07-12. Review status: criteria provided, single submitter. Criteria: Modified ACMG Guidelines (Unpublished). Collection method: clinical testing. Allele origin: germline.
Comment: The NC_012920.1:m.10042A>G variant in MT-TG gene is interpreted to be a Benign variant based on the modified ACMG guidelines (unpublished). This variant meets the following evidence codes reported in the guidelines: BS1, BS2, BP4

Literature cited by the submitters: PubMed 31965079.